The following is an entry in ClinVar:

ClinVar aggregate classification (germline): Uncertain significance (1 of 4 stars; one submission).

Conditions:
Cardiovascular phenotype. Identifiers: MedGen CN230736.

Allele frequency attached by ClinVar (database versions not stated): gnomAD exomes below 0.00001.
gnomAD v4.1: 2 of 1,614,092 alleles (0.00012%); highest among the groups gnomAD compares: Non-Finnish European, 0.000085%; no homozygotes.

Submission:

Ambry Genetics
Classification: Uncertain significance for Cardiovascular phenotype. Last evaluated: 2023-05-22. Review status: criteria provided, single submitter. Criteria: Ambry Variant Classification Scheme 2023. Collection method: clinical testing. Allele origin: germline.
Comment: The p.F787V variant (also known as c.2359T>G), located in coding exon 16 of the ABCA1 gene, results from a T to G substitution at nucleotide position 2359. The phenylalanine at codon 787 is replaced by valine, an amino acid with highly similar properties. This amino acid position is conserved. In addition, this alteration is predicted to be deleterious by in silico analysis. Since supporting evidence is limited at this time, the clinical significance of this alteration remains unclear.

NM_005502.4(ABCA1):c.2359T>G (p.Phe787Val)

Gene: ABCA1 (ATP binding cassette subfamily A member 1; minus strand). Cytogenetic location: 9q31.1.
Variant type: single nucleotide variant.
Coding change: c.2359T>G on transcript NM_005502.4 (MANE Select); coding-DNA position 2359, T replaced by G.
Protein change: p.Phe787Val; replaces phenylalanine 787 with valine.
Molecular consequence: missense variant.
Genome position (GRCh38, 1-based): chr9:104,825,866, A>C on the plus strand (T>G on the coding strand, the complement: ABCA1 is on the minus strand). VCF-style: chr9-104825866-A-C. GRCh37 (hg19) VCF-style: chr9-107588147-A-C.
Other names: short protein forms F787V.
Identifiers: ClinVar variation 2568291 (VCV002568291.2), dbSNP rs2538160878, ClinGen allele CA374321476.